The following is an entry in ClinVar:

ClinVar aggregate classification (germline): Uncertain significance (1 of 4 stars; one submission).

Submission:

GeneDx
Classification: Uncertain significance. Last evaluated: 2019-11-12. Review status: criteria provided, single submitter. Criteria: GeneDx Variant Classification Process June 2021. Collection method: clinical testing. Allele origin: germline. Affected: yes.
Comment: Not observed in large population cohorts (Lek et al., 2016); Frameshift variant predicted to result in protein truncation or nonsense mediated decay in a gene for which loss-of-function is not a known mechanism of disease; Has not been previously published as pathogenic or benign to our knowledge

NM_004456.5(EZH2):c.786del (p.Asn263fs)

Gene: EZH2 (enhancer of zeste 2 polycomb repressive complex 2 subunit; minus strand). Cytogenetic location: 7q36.1.
Variant type: Deletion.
Coding change: c.786del on transcript NM_004456.5 (MANE Select); coding-DNA position 786, one base deleted (C; older notation c.786delC).
Protein change: p.Asn263fs; shifts the reading frame from asparagine 263.
Molecular consequence: frameshift variant.
Genome position (GRCh38, 1-based): chr7:148,826,575, G deleted on the plus strand (C on the coding strand, the reverse complement: EZH2 is on the minus strand); the first of 5 consecutive G bases (chr7:148,826,575-148,826,579); deleting any one gives the same sequence. VCF-style (leftmost placement, unchanged base first): chr7-148826574-TG-T. GRCh37 (hg19) VCF-style: chr7-148523666-TG-T.
Other names: c.786del, p.Asn263fs (NM_001203247.2); c.759del, p.Asn254fs (NM_001203248.2, NM_001203249.2); c.669del, p.Asn224fs (NM_152998.3); short protein forms N224fs, N254fs, N263fs.
Identifiers: ClinVar variation 1310171 (VCV001310171.2), dbSNP rs2129475523, ClinGen allele CA2573052833.